The following is an entry in ClinVar:

ClinVar aggregate classification (germline): Pathogenic (1 of 4 stars; one submission).

Conditions:
Brody myopathy. Also called: BRODY DISEASE. Identifiers: Orphanet 53347, MedGen C1832918, MONDO:0010977, OMIM 601003.

gnomAD v4.1: 17 of 1,614,110 alleles (0.0011%); highest among the groups gnomAD compares: South Asian, 0.0022%; 1 homozygote.

Submission:

Women's Health and Genetics/Laboratory Corporation of America, LabCorp
Classification: Pathogenic for Brody myopathy. Last evaluated: 2025-03-19. Review status: criteria provided, single submitter. Criteria: LabCorp Variant Classification Summary - May 2015. Collection method: clinical testing. Allele origin: germline.
Comment: Variant summary: ATP2A1 c.1585C>T (p.Arg529X) results in a premature termination codon, predicted to cause a truncation of the encoded protein or absence of the protein due to nonsense mediated decay, which are commonly known mechanisms for disease. The variant allele was found at a frequency of 8e-06 in 251380 control chromosomes. To our knowledge, no occurrence of c.1585C>T in individuals affected with Brody Myopathy and no experimental evidence demonstrating its impact on protein function have been reported. No submitters have cited clinical-significance assessments for this variant to ClinVar. Based on the evidence outlined above, the variant was classified as pathogenic.

NM_004320.6(ATP2A1):c.1585C>T (p.Arg529Ter)

Gene: ATP2A1 (ATPase sarcoplasmic/endoplasmic reticulum Ca2+ transporting 1; plus strand). Cytogenetic location: 16p11.2.
Variant type: single nucleotide variant.
Coding change: c.1585C>T on transcript NM_004320.6 (MANE Select); coding-DNA position 1585, C replaced by T.
Protein change: p.Arg529Ter; replaces arginine 529 with a stop codon.
Molecular consequence: nonsense.
Genome position (GRCh38, 1-based): chr16:28,898,272, C>T. VCF-style: chr16-28898272-C-T. GRCh37 (hg19) VCF-style: chr16-28909593-C-T.
Other names: c.1210C>T, p.Arg404Ter (NM_001286075.2); c.1585C>T, p.Arg529Ter (NM_173201.5); short protein forms R404*, R529*.
Identifiers: ClinVar variation 3896089 (VCV003896089.1).